The following is an entry in ClinVar:

ClinVar aggregate classification (germline): Uncertain significance. Review status: criteria provided, multiple submitters, no conflicts (2 of 4 stars). 2 submissions from 2 submitters: Uncertain significance (2). Last evaluated 2026-03-18.

Conditions:
Primary familial hypertrophic cardiomyopathy (HCM). Identifiers: Orphanet 99739, MedGen C0949658, MeSH D024741, MONDO:0024573. Inheritance: Various modes of inheritance.
Dilated cardiomyopathy 1AA (CMD1AA). Also called: CARDIOMYOPATHY, DILATED, 1AA, WITH OR WITHOUT LEFT VENTRICULAR NONCOMPACTION; CARDIOMYOPATHY, FAMILIAL HYPERTROPHIC, 23, WITH OR WITHOUT LEFT VENTRICULAR NONCOMPACTION; Cardiomyopathy, dilated, 1AA, with or without LVNC. Identifiers: Orphanet 154, MedGen C2677338, MONDO:0012808, OMIM 612158.

Submissions (2):

Women's Health and Genetics/Laboratory Corporation of America, LabCorp
Classification: Uncertain significance. Last evaluated: 2026-03-18. Review status: criteria provided, single submitter. Criteria: LabCorp Variant Classification Summary - May 2015. Collection method: clinical testing. Allele origin: germline.
Comment: Variant summary: ACTN2 c.2642A>T (p.Tyr881Phe) results in a conservative amino acid change in the encoded protein sequence. Algorithms developed to predict the effect of missense changes on protein structure and function are either unavailable or do not agree on the potential impact of this missense change. The variant was absent in 251316 control chromosomes. The available data on variant occurrences in the general population are insufficient to allow any conclusion about variant significance. To our knowledge, no occurrence of c.2642A>T in individuals affected with ACTN2-related conditions and no experimental evidence demonstrating its impact on protein function have been reported. ClinVar contains an entry for this variant (Variation ID: 4782490). Based on the evidence outlined above, the variant was classified as uncertain significance.

Labcorp Genetics (formerly Invitae), Labcorp
Classification: Uncertain significance for Primary familial hypertrophic cardiomyopathy; Dilated cardiomyopathy 1AA. Last evaluated: 2025-06-11. Review status: criteria provided, single submitter. Criteria: Invitae Variant Classification Sherloc (09022015). Collection method: clinical testing. Allele origin: germline.
Comment: This sequence change replaces tyrosine, which is neutral and polar, with phenylalanine, which is neutral and non-polar, at codon 881 of the ACTN2 protein (p.Tyr881Phe). This variant is not present in population databases (gnomAD no frequency). This variant has not been reported in the literature in individuals affected with ACTN2-related conditions. Invitae Evidence Modeling of protein sequence and biophysical properties (such as structural, functional, and spatial information, amino acid conservation, physicochemical variation, residue mobility, and thermodynamic stability) indicates that this missense variant is not expected to disrupt ACTN2 protein function with a negative predictive value of 95%. In summary, the available evidence is currently insufficient to determine the role of this variant in disease. Therefore, it has been classified as a Variant of Uncertain Significance.

NM_001103.4(ACTN2):c.2642A>T (p.Tyr881Phe)

Gene: ACTN2 (actinin alpha 2; plus strand). Cytogenetic location: 1q43.
Variant type: single nucleotide variant.
Coding change: c.2642A>T on transcript NM_001103.4 (MANE Select); coding-DNA position 2642, A replaced by T.
Protein change: p.Tyr881Phe; replaces tyrosine 881 with phenylalanine.
Molecular consequence: missense variant. On other transcripts: non-coding transcript variant (1).
Genome position (GRCh38, 1-based): chr1:236,762,576, A>T. VCF-style: chr1-236762576-A-T. GRCh37 (hg19) VCF-style: chr1-236925876-A-T.
Other names: c.2642A>T, p.Tyr881Phe (NM_001278343.2); short protein forms Y881F.
Identifiers: ClinVar variation 4782490 (VCV004782490.2).